The following is an entry in ClinVar:

NM_020632.3(ATP6V0A4):c.833_834del (p.Glu278fs)

Gene: ATP6V0A4 (ATPase H+ transporting V0 subunit a4; minus strand). Cytogenetic location: 7q34.
Variant type: Microsatellite.
Coding change: c.833_834del on transcript NM_020632.3 (MANE Select); coding-DNA positions 833 to 834, 2 bases deleted (AG; older notation c.833_834delAG).
Protein change: p.Glu278fs; shifts the reading frame from glutamic acid 278.
Molecular consequence: frameshift variant.
Genome position (GRCh38, 1-based): chr7:138,752,820-138,752,821, CT deleted on the plus strand (AG on the coding strand, the reverse complement: ATP6V0A4 is on the minus strand); deleting any 2 consecutive bases within chr7:138,752,820-138,752,823 gives the same sequence; the c. name uses the placement nearest the transcript's 3' end. VCF-style (leftmost placement, unchanged base first): chr7-138752819-ACT-A. GRCh37 (hg19) VCF-style: chr7-138437564-ACT-A.
Other names: c.833_834del, p.Glu278fs (NM_130840.3, NM_130841.3); short protein forms E278fs.
Identifiers: ClinVar variation 3251245 (VCV003251245.2), dbSNP rs1408988926.

ClinVar aggregate classification (germline): Likely pathogenic (1 of 4 stars; one submission).

Conditions:
Renal tubular acidosis, distal, 3, with or without sensorineural hearing loss (DRTA3). Identifiers: MedGen C5399980, MONDO:0011268, OMIM 602722.

Submission:

Department of Paediatric Medicine, Post Graduation Institute of Medical Education and Research
Classification: Likely pathogenic for Renal tubular acidosis, distal, 3, with or without sensorineural hearing loss. Last evaluated: 2024-05-24. Review status: criteria provided, single submitter. Criteria: ACMG Guidelines, 2015. Collection method: clinical testing. Allele origin: inherited. Inheritance: Autosomal recessive inheritance. Affected: yes. Observed: 1 variant allele, 1 homozygote.
Comment: A homozygous 2 base pair deletion in exon 2 of the ATP6V0A4 gene (chr7:g.138752822_138752823del) that results in a frameshift and premature truncation of the protein 82 amino acids downstream to codon 278 (p.Glu278ValfsTer82) was detected (Table). This variant has not been reported in the 1000 genomes, topmed and has a minor allele frequency of 0.00066% and 0.00040% in the gnomAD (v3.1) and gnomAD (v2.1) databases respectively. The in silico prediction of the variant is damaging by MutationTaster2. The reference region is conserved across species.